The following is an entry in ClinVar:

GRCh38/hg38 6p25.3-25.2(chr6:163083-2724611)x1

Genes: DUSP22 (dual specificity phosphatase 22; plus strand), EXOC2 (exocyst complex component 2; minus strand), FOXC1 (forkhead box C1; plus strand), FOXCUT (FOXC1 upstream transcript; plus strand), FOXF2 (forkhead box F2; plus strand) and 124 more. Cytogenetic location: 6p25.3-25.2.
Variant type: copy number loss.
Change: copy number 1 (one copy instead of two) of chr6:163,083-2,724,611 (2.56 Mb, GRCh38 coordinates, 1-based), cytogenetic band 6p25.3-25.2.
Identifiers: ClinVar variation 58408 (VCV000058408.1).

ClinVar aggregate classification (germline): Pathogenic (1 of 4 stars; one submission).

Submission:

ISCA site 14
Classification: Pathogenic. Last evaluated: 2011-08-12. Review status: criteria provided, single submitter. Criteria: Kaminsky et al. (Genet Med. 2011). Collection method: clinical testing. Allele origin: unknown. Affected: yes. Observed: 1 variant allele.
Comment: Copy number variation identified through the course of routine clinical cytogenomic testing in postnatal populations. Clinical assertions have been curated as described in Kaminsky et al. 2011.